The following is an entry in ClinVar:

NM_000321.3(RB1):c.37_65del (p.Ala13fs)

Gene: RB1 (RB transcriptional corepressor 1; plus strand). Cytogenetic location: 13q14.2.
Variant type: Deletion.
Coding change: c.37_65del on transcript NM_000321.3 (MANE Select); coding-DNA positions 37 to 65, 29 bases deleted (GCCGCCGCTGCCGCCGCGGAACCCCCGGC).
Protein change: p.Ala13fs; shifts the reading frame from alanine 13.
Molecular consequence: frameshift variant.
Genome position (GRCh38, 1-based): chr13:48,303,949-48,303,977, GCCGCCGCTGCCGCCGCGGAACCCCCGGC deleted; deleting any 29 consecutive bases within chr13:48,303,948-48,303,977 gives the same sequence; the c. name uses the placement nearest the transcript's 3' end. VCF-style (leftmost placement, unchanged base first): chr13-48303947-CCGCCGCCGCTGCCGCCGCGGAACCCCCGG-C. GRCh37 (hg19) VCF-style: chr13-48878083-CCGCCGCCGCTGCCGCCGCGGAACCCCCGG-C.
Other names: c.37_65delGCCGCCGCTGCCGCCGCGGAACCCCCGGC (NM_000321.2); short protein forms A13fs.
Identifiers: ClinVar variation 410951 (VCV000410951.6), dbSNP rs1064792974, ClinGen allele CA16614430.
Genomic context (GRCh38, chr13:48,303,947, plus strand): 5'-GCTGGCTCCCGCCGCGGAAAGGCGTCATGCCGCCCAAAACCCCCCGAAAAACGGCCGCCA[CCGCCGCCGCTGCCGCCGCGGAACCCCCGG>C]CACCGCCGCCGCCGCCCCCTCCTGAGGAGGACCCAGAGCAGGACAGCGGCCCGGAGGACC-3'

ClinVar aggregate classification (germline): Pathogenic. Review status: criteria provided, multiple submitters, no conflicts (2 of 4 stars). 2 submissions from 2 submitters: Pathogenic (2). Last evaluated 2025-09-17.

Conditions:
Hereditary retinoblastoma. Identifiers: Orphanet 357027, MedGen C0751483, MONDO:0018160.
Retinoblastoma (RB1). Also called: RETINOBLASTOMA, SOMATIC. Identifiers: Orphanet 790, MedGen C0035335, MeSH D012175, MONDO:0008380, OMIM 180200, HP:0009919. Disease mechanism: loss of function. Inheritance: Both sporadic and heritable forms are tested..

Submissions (2):

Ramesar Group, Division of Human Genetics, Institute of Infectious Diseases and Molecular Medicine, UCT/MRC Genomic and Precision Medicine Research Unit, University of Cape Town
Classification: Pathogenic for Hereditary retinoblastoma. Last evaluated: 2025-09-17. Review status: criteria provided, single submitter. Criteria: ACMG Guidelines, 2015. Collection method: research. Allele origin: germline. Affected: yes. Observed: 2 variant alleles.
Comment: PVS1: Null variant (frameshift) in a gene (RB1) where LOF is a known mechanism of disease PM2: Absent from gnomAD and ExAC PP1: Variant detected in the affected mother PP4: Patient presents with unilateral retinoblastoma and a family history of retinoblastoma PP5: Reported as pathogenic in ClinVar

Labcorp Genetics (formerly Invitae), Labcorp
Classification: Pathogenic for Retinoblastoma. Last evaluated: 2018-05-25. Review status: criteria provided, single submitter. Criteria: Invitae Variant Classification Sherloc (09022015). Collection method: clinical testing. Allele origin: germline.
Comment: This sequence change creates a premature translational stop signal (p.Ala13Thrfs*8) in the RB1 gene. It is expected to result in an absent or disrupted protein product. This variant is not present in population databases (ExAC no frequency). This variant has not been reported in the literature in individuals with RB1-related disease. ClinVar contains an entry for this variant (Variation ID: 410951). Loss-of-function variants in RB1 are known to be pathogenic (PMID: 17096365). For these reasons, this variant has been classified as Pathogenic.

Literature cited by the submitters: PubMed 17096365 (cited by Labcorp Genetics (formerly Invitae), Labcorp).